The following is an entry in ClinVar:

NM_003737.4(DCHS1):c.7595A>G (p.Gln2532Arg)

Gene: DCHS1 (dachsous cadherin-related 1; minus strand). Cytogenetic location: 11p15.4.
Variant type: single nucleotide variant.
Coding change: c.7595A>G on transcript NM_003737.4 (MANE Select); coding-DNA position 7595, A replaced by G.
Protein change: p.Gln2532Arg; replaces glutamine 2532 with arginine.
Molecular consequence: missense variant.
Genome position (GRCh38, 1-based): chr11:6,624,081, T>C on the plus strand (A>G on the coding strand, the complement: DCHS1 is on the minus strand). VCF-style: chr11-6624081-T-C. GRCh37 (hg19) VCF-style: chr11-6645312-T-C.
Other names: short protein forms Q2532R.
Identifiers: ClinVar variation 3614766 (VCV003614766.2).

ClinVar aggregate classification (germline): Uncertain significance (1 of 4 stars; one submission).

gnomAD v4.1: 4 of 1,612,790 alleles (0.00025%); highest among the groups gnomAD compares: Admixed American, 0.005%; no homozygotes.

Submission:

Labcorp Genetics (formerly Invitae), Labcorp
Classification: Uncertain significance. Last evaluated: 2024-07-24. Review status: criteria provided, single submitter. Criteria: Invitae Variant Classification Sherloc (09022015). Collection method: clinical testing. Allele origin: germline.
Comment: This sequence change replaces glutamine, which is neutral and polar, with arginine, which is basic and polar, at codon 2532 of the DCHS1 protein (p.Gln2532Arg). This variant is present in population databases (rs749456505, gnomAD 0.009%). This variant has not been reported in the literature in individuals affected with DCHS1-related conditions. Advanced modeling of protein sequence and biophysical properties (such as structural, functional, and spatial information, amino acid conservation, physicochemical variation, residue mobility, and thermodynamic stability) performed at Invitae indicates that this missense variant is not expected to disrupt DCHS1 protein function with a negative predictive value of 80%. In summary, the available evidence is currently insufficient to determine the role of this variant in disease. Therefore, it has been classified as a Variant of Uncertain Significance.